The following is an entry in ClinVar:

ClinVar aggregate classification (germline): Uncertain significance. Review status: criteria provided, multiple submitters, no conflicts (2 of 4 stars). 2 submissions from 2 submitters: Uncertain significance (2). Last evaluated 2024-08-07.

Conditions:
Inborn genetic diseases. Identifiers: MedGen C0950123, MeSH D030342.

Allele frequency attached by ClinVar (database versions not stated): gnomAD exomes below 0.00001; TOPMed below 0.00001.
gnomAD v4.1: 4 of 1,614,150 alleles (0.00025%); highest among the groups gnomAD compares: Non-Finnish European, 0.00034%; no homozygotes.

Submissions (2):

Ambry Genetics
Classification: Uncertain significance for Inborn genetic diseases. Last evaluated: 2024-08-07. Review status: criteria provided, single submitter. Criteria: Ambry Variant Classification Scheme 2023. Collection method: clinical testing. Allele origin: germline.

Labcorp Genetics (formerly Invitae), Labcorp
Classification: Uncertain significance. Last evaluated: 2022-12-17. Review status: criteria provided, single submitter. Criteria: Invitae Variant Classification Sherloc (09022015). Collection method: clinical testing. Allele origin: germline.
Comment: This sequence change replaces methionine, which is neutral and non-polar, with threonine, which is neutral and polar, at codon 56 of the ALPL protein (p.Met56Thr). This variant is present in population databases (no rsID available, gnomAD 0.0009%). This variant has not been reported in the literature in individuals affected with ALPL-related conditions. Advanced modeling of protein sequence and biophysical properties (such as structural, functional, and spatial information, amino acid conservation, physicochemical variation, residue mobility, and thermodynamic stability) performed at Invitae indicates that this missense variant is expected to disrupt ALPL protein function. In summary, the available evidence is currently insufficient to determine the role of this variant in disease. Therefore, it has been classified as a Variant of Uncertain Significance.

NM_000478.6(ALPL):c.167T>C (p.Met56Thr)

Gene: ALPL (alkaline phosphatase, biomineralization associated; plus strand). Cytogenetic location: 1p36.12.
Variant type: single nucleotide variant.
Coding change: c.167T>C on transcript NM_000478.6 (MANE Select); coding-DNA position 167, T replaced by C.
Protein change: p.Met56Thr; replaces methionine 56 with threonine.
Molecular consequence: missense variant. On other transcripts: initiator codon variant (1).
Genome position (GRCh38, 1-based): chr1:21,560,731, T>C. VCF-style: chr1-21560731-T-C. GRCh37 (hg19) VCF-style: chr1-21887224-T-C.
Other names: c.167T>C (NM_000478.4); c.2T>C, p.Met1Thr (NM_001127501.4); c.52T>C, p.Cys18Arg (NM_001177520.3); c.167T>C, p.Met56Thr (NM_001369803.2, NM_001369804.2, NM_001369805.2); short protein forms M56T, M1T, C18R.
Identifiers: ClinVar variation 2780529 (VCV002780529.4), dbSNP rs1288112235, ClinGen allele CA338877703.